The following is an entry in ClinVar:

ClinVar aggregate classification (germline): Uncertain significance (1 of 4 stars; one submission).

Conditions:
Succinyl-CoA acetoacetate transferase deficiency (SCOTD). Also called: KETOACIDOSIS DUE TO SCOT DEFICIENCY; Succinyl CoA:3-oxoacid CoA transferase deficiency; SCOT DEFICIENCY; SUCCINYL-CoA:3-KETOACID CoA-TRANSFERASE DEFICIENCY; 3-Oxoacid CoA Transferase Deficiency. Identifiers: Orphanet 832, MedGen C0342792, MONDO:0009492, OMIM 245050.

Allele frequency attached by ClinVar (database versions not stated): gnomAD exomes below 0.00001 and 0.00001; ExAC 0.00002.
gnomAD v4.1: 5 of 1,591,800 alleles (0.00031%); highest among the groups gnomAD compares: Middle Eastern, 0.017%; no homozygotes.

Submission:

Labcorp Genetics (formerly Invitae), Labcorp
Classification: Uncertain significance for Succinyl-CoA acetoacetate transferase deficiency. Last evaluated: 2022-06-27. Review status: criteria provided, single submitter. Criteria: Invitae Variant Classification Sherloc (09022015). Collection method: clinical testing. Allele origin: germline.
Comment: Algorithms developed to predict the effect of missense changes on protein structure and function (SIFT, PolyPhen-2, Align-GVGD) all suggest that this variant is likely to be tolerated. This sequence change replaces lysine, which is basic and polar, with arginine, which is basic and polar, at codon 271 of the OXCT1 protein (p.Lys271Arg). This variant is present in population databases (rs757407425, gnomAD 0.003%). This variant has not been reported in the literature in individuals affected with OXCT1-related conditions. ClinVar contains an entry for this variant (Variation ID: 942987). Algorithms developed to predict the effect of sequence changes on RNA splicing suggest that this variant may create or strengthen a splice site. In summary, the available evidence is currently insufficient to determine the role of this variant in disease. Therefore, it has been classified as a Variant of Uncertain Significance.

NM_000436.4(OXCT1):c.812A>G (p.Lys271Arg)

Gene: OXCT1 (3-oxoacid CoA-transferase 1; minus strand). Cytogenetic location: 5p13.1.
Variant type: single nucleotide variant.
Coding change: c.812A>G on transcript NM_000436.4 (MANE Select); coding-DNA position 812, A replaced by G.
Protein change: p.Lys271Arg; replaces lysine 271 with arginine.
Molecular consequence: missense variant. On other transcripts: non-coding transcript variant (1).
Genome position (GRCh38, 1-based): chr5:41,807,359, T>C on the plus strand (A>G on the coding strand, the complement: OXCT1 is on the minus strand). VCF-style: chr5-41807359-T-C. GRCh37 (hg19) VCF-style: chr5-41807461-T-C.
Other names: c.833A>G, p.Lys278Arg (NM_001364299.2, NM_001364300.2); c.806A>G, p.Lys269Arg (NM_001364301.2); c.812A>G, p.Lys271Arg (NM_001364302.2); c.254A>G, p.Lys85Arg (NM_001364303.2); short protein forms K269R, K85R, K271R, K278R.
Identifiers: ClinVar variation 942987 (VCV000942987.9), dbSNP rs757407425, ClinGen allele CA3253476.
Genomic context (GRCh38, chr5:41,807,359, plus strand): 5'-ATGAATACTGACAAAGCAGCTAAGTCAATTACCTCAATTCTTTTCTCATATTTTTCTCCC[T>C]TTATAAGGCGATGTACATAAATCTGAGGAATATGGATGTCTTCTGGAGCAAATGCTCCAA-3'
Protein context (NP_000427.1, residues 261-281): IPQIYVHRLI[Lys271Arg]GEKYEKRIER